The following is an entry in ClinVar:

ClinVar aggregate classification (germline): Likely benign. Review status: criteria provided, multiple submitters, no conflicts (2 of 4 stars). 3 submissions from 3 submitters: Likely benign (3). Last evaluated 2024-12-18.

Conditions:
Hereditary nonpolyposis colorectal neoplasms. Identifiers: MedGen C0009405, MeSH D003123.
Lynch syndrome 5 (LYNCH5). Also called: Colorectal cancer, hereditary nonpolyposis, type 5; Hereditary non-polyposis colorectal cancer, type 5. Identifiers: Orphanet 144, MedGen C1833477, MONDO:0013710, OMIM 614350. Disease mechanism: loss of function.
Hereditary cancer-predisposing syndrome. Also called: Hereditary neoplastic syndrome; Tumor predisposition; Hereditary Cancer Syndrome; Neoplastic Syndromes, Hereditary. Identifiers: Orphanet 140162, MedGen C0027672, MeSH D009386, MONDO:0015356.

Submissions (3):

Myriad Genetics, Inc.
Classification: Likely benign for Lynch syndrome 5. Last evaluated: 2024-12-18. Review status: criteria provided, single submitter. Criteria: Myriad Autosomal Dominant, Autosomal Recessive and X-Linked Classification Criteria (2023). Collection method: clinical testing. Allele origin: unknown.
Comment: This variant is considered likely benign. This variant is intronic and is not expected to impact mRNA splicing.

Labcorp Genetics (formerly Invitae), Labcorp
Classification: Likely benign for Hereditary nonpolyposis colorectal neoplasms. Last evaluated: 2024-06-26. Review status: criteria provided, single submitter. Criteria: Invitae Variant Classification Sherloc (09022015). Collection method: clinical testing. Allele origin: germline.

Color Diagnostics, LLC DBA Color Health
Classification: Likely benign for Hereditary cancer-predisposing syndrome. Last evaluated: 2015-11-30. Review status: criteria provided, single submitter. Criteria: ACMG Guidelines, 2015. Collection method: clinical testing. Allele origin: germline.

NM_000179.3(MSH6):c.261-15dup

Gene: MSH6 (mutS homolog 6; plus strand). Cytogenetic location: 2p16.3.
Variant type: Duplication.
Coding change: c.261-15dup on transcript NM_000179.3 (MANE Select); 15 bases into the intron before coding-DNA position 261, one base duplicated (T; older notation c.261-15dupT).
Molecular consequence: intron variant.
Genome position (GRCh38, 1-based): chr2:47,790,912, T duplicated; the last of 3 consecutive T bases (chr2:47,790,910-47,790,912); duplicating any one gives the same sequence. VCF-style (leftmost placement, unchanged base first): chr2-47790909-A-AT. GRCh37 (hg19) VCF-style: chr2-48018048-A-AT.
Other names: c.-476-15dup (NM_001281493.2); c.237+7442dup (NM_001281492.2); c.-642-15dup (NM_001281494.2); c.261-15dupT (NM_000179.2).
Identifiers: ClinVar variation 491913 (VCV000491913.9), dbSNP rs1553410187, ClinGen allele CA658683218.
Genomic context (GRCh38, chr2:47,790,909, plus strand): 5'-TTGTTTATTTGTAGGTAACTGCCTTTAAGGAAACTTGACCAAATATTAACTAAGTTATGT[A>AT]TTTCCTTTTGGCAACAGTTGTGACTTCTCACCAGGAGATTTGGTTTGGGCCAAGATGGAG-3'